The following is an entry in ClinVar:

ClinVar aggregate classification (germline): Uncertain significance (1 of 4 stars; one submission).

Conditions:
Hereditary cancer-predisposing syndrome. Also called: Tumor predisposition; Hereditary Cancer Syndrome; Hereditary neoplastic syndrome; Neoplastic Syndromes, Hereditary. Identifiers: Orphanet 140162, MedGen C0027672, MeSH D009386, MONDO:0015356.

Submission:

Ambry Genetics
Classification: Uncertain significance for Hereditary cancer-predisposing syndrome. Last evaluated: 2024-05-31. Review status: criteria provided, single submitter. Criteria: Ambry Variant Classification Scheme 2023. Collection method: clinical testing. Allele origin: germline.
Comment: The p.Q318E variant (also known as c.952C>G), located in coding exon 1 of the MET gene, results from a C to G substitution at nucleotide position 952. The glutamine at codon 318 is replaced by glutamic acid, an amino acid with highly similar properties. This amino acid position is conserved. In addition, the in silico prediction for this alteration is inconclusive. Based on the available evidence, the clinical significance of this variant remains unclear.

NM_000245.4(MET):c.952C>G (p.Gln318Glu)

Gene: MET (MET proto-oncogene, receptor tyrosine kinase; plus strand). Cytogenetic location: 7q31.2.
Variant type: single nucleotide variant.
Coding change: c.952C>G on transcript NM_000245.4 (MANE Select); coding-DNA position 952, C replaced by G.
Protein change: p.Gln318Glu; replaces glutamine 318 with glutamic acid.
Molecular consequence: missense variant. On other transcripts: intron variant (1).
Genome position (GRCh38, 1-based): chr7:116,700,036, C>G. VCF-style: chr7-116700036-C-G. GRCh37 (hg19) VCF-style: chr7-116340090-C-G.
Other names: c.952C>G, p.Gln318Glu (NM_001127500.3, NM_001324401.3); c.-91+27459C>G (NM_001324402.2); short protein forms Q318E.
Identifiers: ClinVar variation 3294376 (VCV003294376.1).